The following is an entry in ClinVar:

ClinVar aggregate classification (germline): Uncertain significance (1 of 4 stars; one submission).

Conditions:
Hearing impairment. Also called: Impaired Hearing. Identifiers: MedGen C1384666, MONDO:0005365, HP:0000365.

Allele frequency attached by ClinVar (database versions not stated): gnomAD exomes 0.00001 and 0.00003; ExAC 0.00005.

Submission:

Department of Otolaryngology – Head & Neck Surgery, Cochlear Implant Center
Classification: Uncertain significance for Hearing impairment. Last evaluated: 2021-04-12. Review status: criteria provided, single submitter. Criteria: ClinGen HL ACMG Specifications v1. Collection method: clinical testing. Allele origin: germline. Affected: yes.
Comment: PM2_Moderate, BP4_Supporting

NM_001378609.3(OTOGL):c.890T>G (p.Val297Gly)

Gene: OTOGL (otogelin like; plus strand). Cytogenetic location: 12q21.31.
Variant type: single nucleotide variant.
Coding change: c.890T>G on transcript NM_001378609.3 (MANE Select); coding-DNA position 890, T replaced by G.
Protein change: p.Val297Gly; replaces valine 297 with glycine.
Molecular consequence: missense variant.
Genome position (GRCh38, 1-based): chr12:80,238,923, T>G. VCF-style: chr12-80238923-T-G. GRCh37 (hg19) VCF-style: chr12-80632703-T-G.
Other names: c.890T>G, p.Val297Gly (NM_001368062.3, NM_001378610.3, NM_173591.7); short protein forms V297G.
Identifiers: ClinVar variation 1064890 (VCV001064890.3), dbSNP rs776891390, ClinGen allele CA6700292.